The following is an entry in ClinVar:

NM_003640.5(ELP1):c.1730A>G (p.Gln577Arg)

Gene: ELP1 (elongator acetyltransferase complex subunit 1; minus strand). Cytogenetic location: 9q31.3.
Variant type: single nucleotide variant.
Coding change: c.1730A>G on transcript NM_003640.5 (MANE Select); coding-DNA position 1730, A replaced by G.
Protein change: p.Gln577Arg; replaces glutamine 577 with arginine.
Molecular consequence: missense variant.
Genome position (GRCh38, 1-based): chr9:108,903,583, T>C on the plus strand (A>G on the coding strand, the complement: ELP1 is on the minus strand). VCF-style: chr9-108903583-T-C. GRCh37 (hg19) VCF-style: chr9-111665863-T-C.
Other names: c.1730A>G (LRG_251t1); c.1388A>G, p.Gln463Arg (NM_001318360.2); c.683A>G, p.Gln228Arg (NM_001330749.2); short protein forms Q577R, Q463R, Q228R.
Identifiers: ClinVar variation 246550 (VCV000246550.4), dbSNP rs879254309, ClinGen allele CA10584297.
Genomic context (GRCh38, chr9:108,903,583, plus strand): 5'-TGTAAGTCATAACATGCTTTCCTAACACCTTGATACTCACCCCAAAGGTACTTAAATATC[T>C]GGCCATCAGCCAGCTGTAATACTACTGACTTGGTCTTGGAATTGCAACATAGACTGATTA-3'
Protein context (NP_003631.2, residues 567-587): KSVVLQLADG[Gln577Arg]IFKYLWESPS

ClinVar aggregate classification (germline): Uncertain significance. Review status: criteria provided, multiple submitters, no conflicts (2 of 4 stars). 3 submissions from 3 submitters: Uncertain significance (2). 1 of the submissions does not count toward it. Last evaluated 2021-12-29.

Conditions:
Medulloblastoma (MDB). Also called: MEDULLOBLASTOMA PREDISPOSITION SYNDROME; Medulloblastoma, somatic. Identifiers: Orphanet 616, MedGen C0025149, MeSH D008527, MONDO:0007959, OMIM 155255, HP:0002885.
Familial dysautonomia. Also called: FD; HSAN III. Identifiers: Orphanet 1764, MedGen C0013364, MONDO:0009131, OMIM 223900. Disease mechanism: loss of function.

Allele frequency attached by ClinVar (database versions not stated): gnomAD exomes below 0.00001; TOPMed 0.00001.
gnomAD v4.1: 3 of 1,613,042 alleles (0.00019%); highest among the groups gnomAD compares: Middle Eastern, 0.017%; no homozygotes.

Submissions (3):

Fulgent Genetics
Classification: Uncertain significance for Medulloblastoma; Familial dysautonomia. Last evaluated: 2021-12-29. Review status: criteria provided, single submitter. Criteria: ACMG Guidelines, 2015. Collection method: clinical testing. Allele origin: unknown.

GeneDx
Classification: Uncertain significance. Last evaluated: 2016-04-12. Review status: criteria provided, single submitter. Criteria: GeneDx Variant Classification (06012015). Collection method: clinical testing. Allele origin: germline. Affected: yes.
Comment: The Q577R variant has not been published as a pathogenic variant, nor has it been reported as a benign variant to our knowledge. It was not observed in approximately 6,500 individuals of European and African American ancestry in the NHLBI Exome Sequencing Project, indicating it is not a common benign variant in these populations. The Q577R variant is a semi-conservative amino acid substitution, which may impact secondary protein structure as these residues differ in some properties. However, this substitution occurs at a position that is not conserved, and in silico analysis predicts this variant likely does not alter the protein structure/function. Therefore, based on the currently available information, it is unclear whether this variant is a pathogenic variant or a rare benign variant.

Natera, Inc.
Classification: Uncertain significance for Hereditary sensory and autonomic neuropathy type III. Last evaluated: 2020-03-11. Review status: no assertion criteria provided. Collection method: clinical testing. Allele origin: germline. Not counted in ClinVar's aggregate classification.